The following is an entry in ClinVar:

NM_000824.5(GLRB):c.415T>A (p.Trp139Arg)

Gene: GLRB (glycine receptor beta; plus strand). Cytogenetic location: 4q32.1.
Variant type: single nucleotide variant.
Coding change: c.415T>A on transcript NM_000824.5 (MANE Select); coding-DNA position 415, T replaced by A.
Protein change: p.Trp139Arg; replaces tryptophan 139 with arginine.
Molecular consequence: missense variant.
Genome position (GRCh38, 1-based): chr4:157,136,586, T>A. VCF-style: chr4-157136586-T-A. GRCh37 (hg19) VCF-style: chr4-158057738-T-A.
Other names: c.415T>A, p.Trp139Arg (NM_001166060.2, NM_001166061.2); short protein forms W139R.
Identifiers: ClinVar variation 2121363 (VCV002121363.4), dbSNP rs143539995, ClinGen allele CA358642530.
Genomic context (GRCh38, chr4:157,136,586, plus strand): 5'-CCCAGTGATTTTAGGGGTTCAGATGCACTGACAGTGGATCCAACAATGTACAAGTGTTTA[T>A]GGAAACCTGATTTATTTTTTGCAAATGAAAAAAGTGCCAATTTTCATGATGTGACCCAGG-3'
Protein context (NP_000815.1, residues 129-149): TVDPTMYKCL[Trp139Arg]KPDLFFANEK

ClinVar aggregate classification (germline): Uncertain significance (1 of 4 stars; one submission).

Conditions:
Hyperekplexia 2 (HKPX2). Identifiers: Orphanet 3197, MedGen C3553291, MONDO:0013828, OMIM 614619.

Submission:

Labcorp Genetics (formerly Invitae), Labcorp
Classification: Uncertain significance for Hyperekplexia 2. Last evaluated: 2022-04-04. Review status: criteria provided, single submitter. Criteria: Invitae Variant Classification Sherloc (09022015). Collection method: clinical testing. Allele origin: germline.
Comment: This variant is not present in population databases (gnomAD no frequency). This variant has not been reported in the literature in individuals affected with GLRB-related conditions. Algorithms developed to predict the effect of missense changes on protein structure and function (SIFT, PolyPhen-2, Align-GVGD) all suggest that this variant is likely to be disruptive. In summary, the available evidence is currently insufficient to determine the role of this variant in disease. Therefore, it has been classified as a Variant of Uncertain Significance. This sequence change replaces tryptophan, which is neutral and slightly polar, with arginine, which is basic and polar, at codon 139 of the GLRB protein (p.Trp139Arg).